The following is an entry in ClinVar:

NM_001453.3(FOXC1):c.1109G>C (p.Ser370Thr)

Gene: FOXC1 (forkhead box C1; plus strand). Cytogenetic location: 6p25.3.
Variant type: single nucleotide variant.
Coding change: c.1109G>C on transcript NM_001453.3 (MANE Select); coding-DNA position 1109, G replaced by C.
Protein change: p.Ser370Thr; replaces serine 370 with threonine.
Molecular consequence: missense variant.
Genome position (GRCh38, 1-based): chr6:1,611,554, G>C. VCF-style: chr6-1611554-G-C. GRCh37 (hg19) VCF-style: chr6-1611789-G-C.
Other names: c.1109G>C (NM_001453.2); short protein forms S370T.
Identifiers: ClinVar variation 1400670 (VCV001400670.9), dbSNP rs535065221, ClinGen allele CA3614866.

ClinVar aggregate classification (germline): Conflicting classifications of pathogenicity. Review status: criteria provided, conflicting classifications (1 of 4 stars). 4 submissions from 4 submitters: Uncertain significance (3); Likely benign (1). Last evaluated 2025-09-12.

Conditions:
Anterior segment dysgenesis 3 (ASGD3). Also called: IRIDOGONIODYSGENESIS ANOMALY, AUTOSOMAL DOMINANT; Glaucoma iridogoniodysplasia, familial. Identifiers: Orphanet 91483, MedGen C5975707, MONDO:0024456, OMIM 601631.
Axenfeld-Rieger syndrome type 3 (RIEG3). Also called: AXENFELD-RIEGER ANOMALY WITH CARDIAC DEFECTS AND/OR SENSORINEURAL HEARING LOSS. Identifiers: Orphanet 782, MedGen C2678503, MONDO:0011233, OMIM 602482.
Inborn genetic diseases. Identifiers: MedGen C0950123, MeSH D030342.
FOXC1-related disorder. Also called: FOXC1-related condition.

Allele frequency attached by ClinVar (database versions not stated): gnomAD exomes 0.00004 and 0.00014; gnomAD 0.00011; TOPMed 0.00013; 1000 Genomes Project 30x 0.00016; 1000 Genomes Project 0.00020; ExAC 0.00023.
gnomAD v4.1: 63 of 1,229,392 alleles (0.0051%); highest among the groups gnomAD compares: Middle Eastern, 0.064%; no homozygotes.

Submissions (4):

PreventionGenetics, part of Exact Sciences
Classification: Likely benign for FOXC1-related condition. Last evaluated: 2025-09-12. Review status: criteria provided, single submitter. Criteria: ACMG Guidelines, 2015. Collection method: clinical testing. Allele origin: germline.
Comment: This variant is classified as likely benign based on ACMG/AMP sequence variant interpretation guidelines (Richards et al. 2015 PMID: 25741868, with internal and published modifications).

Labcorp Genetics (formerly Invitae), Labcorp
Classification: Uncertain significance for Axenfeld-Rieger syndrome type 3. Last evaluated: 2025-07-28. Review status: criteria provided, single submitter. Criteria: Invitae Variant Classification Sherloc (09022015). Collection method: clinical testing. Allele origin: germline.
Comment: This sequence change replaces serine, which is neutral and polar, with threonine, which is neutral and polar, at codon 370 of the FOXC1 protein (p.Ser370Thr). The frequency data for this variant in the population databases is considered unreliable, as metrics indicate poor data quality at this position in the gnomAD database. This variant has not been reported in the literature in individuals affected with FOXC1-related conditions. ClinVar contains an entry for this variant (Variation ID: 1400670). An algorithm developed to predict the effect of missense changes on protein structure and function (PolyPhen-2) suggests that this variant is likely to be tolerated. In summary, the available evidence is currently insufficient to determine the role of this variant in disease. Therefore, it has been classified as a Variant of Uncertain Significance.

Ambry Genetics
Classification: Uncertain significance for Inborn genetic diseases. Last evaluated: 2023-12-08. Review status: criteria provided, single submitter. Criteria: Ambry Variant Classification Scheme 2023. Collection method: clinical testing. Allele origin: germline.

Fulgent Genetics
Classification: Uncertain significance for Anterior segment dysgenesis 3; Axenfeld-Rieger syndrome type 3. Last evaluated: 2022-05-24. Review status: criteria provided, single submitter. Criteria: ACMG Guidelines, 2015. Collection method: clinical testing. Allele origin: unknown.